The following is an entry in ClinVar:

NM_033305.3(VPS13A):c.1791del (p.Thr597_Val598insTer)

Gene: VPS13A (vacuolar protein sorting 13 homolog A; plus strand). Cytogenetic location: 9q21.2.
Variant type: Deletion.
Coding change: c.1791del on transcript NM_033305.3 (MANE Select); coding-DNA position 1791, one base deleted (A; older notation c.1791delA).
Protein change: p.Thr597_Val598insTer.
Molecular consequence: frameshift variant.
Genome position (GRCh38, 1-based): chr9:77,238,277, A deleted. VCF-style (leftmost placement, unchanged base first): chr9-77238276-CA-C. GRCh37 (hg19) VCF-style: chr9-79853192-CA-C.
Other names: c.1791del, p.Thr597_Val598insTer (NM_001018037.2, NM_001018038.3, NM_015186.4).
Identifiers: ClinVar variation 4816383 (VCV004816383.1).

ClinVar aggregate classification (germline): Likely pathogenic (1 of 4 stars; one submission).

Conditions:
VPS13A-related neurodegenerative disease. Also called: LEVINE-CRITCHLEY SYNDROME; Choreoacanthocytosis; Chorea-acanthocytosis; ACANTHOCYTOSIS WITH NEUROLOGIC DISORDER; VPS13A Disease; Choreaacanthocytosis. Identifiers: Orphanet 2388, MedGen C0393576, MONDO:0008695, OMIM 200150.

Submission:

Natera, Inc.
Classification: Likely pathogenic for Choreaacanthocytosis. Last evaluated: 2024-02-27. Review status: criteria provided, single submitter. Criteria: Natera Variant Classification Schema (03/2026). Collection method: clinical testing. Allele origin: germline.
Comment: The c.1791delA variant in VPS13A is a frameshift variant predicted to shift the reading frame and introduce a stop codon. This variant is expected to result in nonsense mediated decay, truncation, or a dysfunctional protein product. This variant is rare in the general population with a frequency below the threshold expected for the associated phenotype(s). Given the available evidence, this variant is classified as Likely Pathogenic.